The following is an entry in ClinVar:

NM_130384.3(ATRIP):c.1069A>G (p.Met357Val)

Genes: ATRIP (ATR interacting protein; plus strand), ATRIP-TREX1 (ATRIP-TREX1 readthrough; plus strand). Cytogenetic location: 3p21.31.
Variant type: single nucleotide variant.
Coding change: c.1069A>G on transcript NM_130384.3 (MANE Select); coding-DNA position 1069, A replaced by G.
Protein change: p.Met357Val; replaces methionine 357 with valine.
Molecular consequence: missense variant. On other transcripts: non-coding transcript variant (1).
Genome position (GRCh38, 1-based): chr3:48,460,123, A>G. VCF-style: chr3-48460123-A-G. GRCh37 (hg19) VCF-style: chr3-48501522-A-G.
Other names: c.688A>G, p.Met230Val (NM_001271022.2); c.790A>G, p.Met264Val (NM_001271023.2); c.1069A>G, p.Met357Val (NM_032166.4); short protein forms M230V, M357V, M264V.
Identifiers: ClinVar variation 4182753 (VCV004182753.1).
Genomic context (GRCh38, chr3:48,460,123, plus strand): 5'-TATCTCCATCCCACACTTAATCTATTTTTCTTTGTGTTTGTTGCCAGTACCTTGGCTGGA[A>G]TGTCAGGCCTCAGGACCACAGGTTCTTATGATGGGTCATTTTCCCTCTCAGCCCTGAGAG-3'
Protein context (NP_569055.1, residues 347-367): PPGFGSTLAG[Met357Val]SGLRTTGSYD

ClinVar aggregate classification (germline): Uncertain significance (1 of 4 stars; one submission).

Submission:

Ambry Genetics
Classification: Uncertain significance. Last evaluated: 2025-09-01. Review status: criteria provided, single submitter. Criteria: Ambry Variant Classification Scheme 2023. Collection method: clinical testing. Allele origin: germline.
Comment: The p.M357V variant (also known as c.1069A>G), located in coding exon 8 of the ATRIP gene, results from an A to G substitution at nucleotide position 1069. The methionine at codon 357 is replaced by valine, an amino acid with highly similar properties. This amino acid position is conserved. In addition, this alteration is predicted to be tolerated by in silico analysis. Based on the available evidence, the clinical significance of this variant remains unclear.